The following is an entry in ClinVar:

ClinVar aggregate classification (germline): Uncertain significance (1 of 4 stars; one submission).

Conditions:
Hereditary cancer-predisposing syndrome. Also called: Tumor predisposition; Hereditary neoplastic syndrome; Hereditary Cancer Syndrome; Neoplastic Syndromes, Hereditary. Identifiers: Orphanet 140162, MedGen C0027672, MeSH D009386, MONDO:0015356.

Submission:

Ambry Genetics
Classification: Uncertain significance for Hereditary cancer-predisposing syndrome. Last evaluated: 2025-06-13. Review status: criteria provided, single submitter. Criteria: Ambry Variant Classification Scheme 2023. Collection method: clinical testing. Allele origin: germline.
Comment: The c.1026_1028delGGA variant (also known as p.E342del) is located in coding exon 8 of the STK11 gene. This variant results from an in-frame GGA deletion at nucleotide positions 1026 to 1028. This results in the in-frame deletion of a glutamic acid at codon 342. This amino acid position is highly conserved in available vertebrate species. In addition, this variant is predicted to be deleterious by in silico analysis (Choi Y et al. PLoS ONE. 2012; 7(10):e46688). Based on the available evidence, the clinical significance of this variant remains unclear.

NM_000455.5(STK11):c.1023GGA[1] (p.Glu342del)

Genes: STK11 (serine/threonine kinase 11; plus strand), LOC130062899 (ATAC-STARR-seq lymphoblastoid active region 13597; plus strand). Cytogenetic location: 19p13.3.
Variant type: Microsatellite.
Coding change: c.1023GGA[1] on transcript NM_000455.5 (MANE Select); one copy of the 3-base unit GGA starting at c.1023; the reference has two copies in a row; one copy, 3 bases deleted.
Protein change: p.Glu342del; deletes glutamic acid 342.
Molecular consequence: inframe indel (on NM_000455.4). On other transcripts: non-coding transcript variant (1).
Genome position (GRCh38, 1-based): chr19:1,223,090-1,223,092, GGA deleted; deleting any 3 consecutive bases within chr19:1,223,087-1,223,092 gives the same sequence; the position shown is the placement nearest the transcript's 3' end. VCF-style (leftmost placement, unchanged base first): chr19-1223086-TGGA-T. GRCh37 (hg19) VCF-style: chr19-1223085-TGGA-T.
Other names: c.1026_1028delGGA (NM_000455.4); c.1023_1025GGA[1], p.Glu342del (NM_000455.4); c.1023GGA[1], p.Glu342del (NM_001407255.1); short protein forms E342del.
Identifiers: ClinVar variation 3963276 (VCV003963276.1).